The following is an entry in ClinVar:

ClinVar aggregate classification (germline): Pathogenic (3 of 4 stars; one submission).

Conditions:
Breast-ovarian cancer, familial, susceptibility to, 1 (BROVCA1). Also called: BRCA1 Hereditary Breast and Ovarian Cancer; OVARIAN CANCER, SUSCEPTIBILITY TO. Identifiers: Orphanet 145, MedGen C2676676, MONDO:0011450, OMIM 604370. Disease mechanism: loss of function.

Submission:

Evidence-based Network for the Interpretation of Germline Mutant Alleles (ENIGMA)
Classification: Pathogenic for Breast-ovarian cancer, familial, susceptibility to, 1. Last evaluated: 2017-12-15. Review status: reviewed by expert panel. Criteria: ENIGMA BRCA1/2 Classification Criteria (2017-06-29). Collection method: curation. Allele origin: germline. Study: ENIGMA.
Comment: Variant allele predicted to encode a truncated non-functional protein.

NM_007294.4(BRCA1):c.2566_2567insTGATT (p.Tyr856fs)

Gene: BRCA1 (BRCA1 DNA repair associated; minus strand). Cytogenetic location: 17q21.31.
Variant type: Insertion.
Coding change: c.2566_2567insTGATT on transcript NM_007294.4 (MANE Select); coding-DNA positions 2566 to 2567, TGATT inserted.
Protein change: p.Tyr856fs; shifts the reading frame from tyrosine 856.
Molecular consequence: frameshift variant. On other transcripts: intron variant (137).
Genome position: GRCh38 VCF-style: chr17-43092964-T-TAATCA. GRCh37 (hg19) VCF-style: chr17-41244981-T-TAATCA.
Other names: c.2566_2567insTGATT, p.Tyr856fs (NM_007294.3, NM_001407581.1, NM_001407582.1 and 31 more transcripts); c.2353_2354insTGATT, p.Tyr785fs (NM_001407571.1, NM_001407853.1, NM_001407894.1 and 9 more transcripts); c.2563_2564insTGATT, p.Tyr855fs (NM_001407610.1, NM_001407611.1, NM_001407612.1 and 22 more transcripts); c.2557_2558insTGATT, p.Tyr853fs (NM_001407646.1, NM_001407647.1); c.2443_2444insTGATT, p.Tyr815fs (NM_001407648.1, NM_001407664.1, NM_001407665.1 and 19 more transcripts); c.2440_2441insTGATT, p.Tyr814fs (NM_001407649.1, NM_001407670.1, NM_001407671.1 and 11 more transcripts); c.2488_2489insTGATT, p.Tyr830fs (NM_001407653.1, NM_001407654.1, NM_001407655.1 and 4 more transcripts); c.2485_2486insTGATT, p.Tyr829fs (NM_001407659.1, NM_001407660.1, NM_001407661.1 and 1 more transcripts); and 41 more; short protein forms Y809fs, Y856fs, Y788fs, Y808fs, Y814fs, Y815fs, Y729fs, Y744fs.
Identifiers: ClinVar variation 548156 (VCV000548156.2), dbSNP rs1555589385, ClinGen allele CA658824001.